The following is an entry in ClinVar:

ClinVar aggregate classification (germline): Uncertain significance (1 of 4 stars; one submission).

Conditions:
KCND3-related disorder. Also called: KCND3-related condition.

Submission:

PreventionGenetics, part of Exact Sciences
Classification: Uncertain significance for KCND3-related condition. Last evaluated: 2026-09-03. Review status: criteria provided, single submitter. Criteria: ACMG Guidelines, 2015. Collection method: clinical testing. Allele origin: germline.
Comment: The KCND3 c.410A>G variant is predicted to result in the amino acid substitution p.Lys137Arg. To our knowledge, this variant has not been reported in the literature or in a large population database (gnomAD), indicating this variant is rare. At this time, the clinical significance of this variant is uncertain due to the absence of conclusive functional and genetic evidence.

NM_001378969.1(KCND3):c.410A>G (p.Lys137Arg)

Gene: KCND3 (potassium voltage-gated channel subfamily D member 3; minus strand). Cytogenetic location: 1p13.2.
Variant type: single nucleotide variant.
Coding change: c.410A>G on transcript NM_001378969.1 (MANE Select); coding-DNA position 410, A replaced by G.
Protein change: p.Lys137Arg; replaces lysine 137 with arginine.
Molecular consequence: missense variant.
Genome position (GRCh38, 1-based): chr1:111,982,317, T>C on the plus strand (A>G on the coding strand, the complement: KCND3 is on the minus strand). VCF-style: chr1-111982317-T-C. GRCh37 (hg19) VCF-style: chr1-112524939-T-C.
Other names: c.410A>G, p.Lys137Arg (NM_001378970.1, NM_004980.5, NM_172198.3); short protein forms K137R.
Identifiers: ClinVar variation 4993092 (VCV004993092.1).